The following is an entry in ClinVar:

ClinVar aggregate classification (germline): Uncertain significance (1 of 4 stars; one submission).

Conditions:
Developmental and epileptic encephalopathy, 9 (DEE9). Also called: Early infantile epileptic encephalopathy 9; JUBERG-HELLMAN SYNDROME; PCDH19-Related X-Linked Female-Limited Epilepsy with Mental Retardation; EPILEPSY, FEMALE-RESTRICTED, WITH MENTAL RETARDATION. Identifiers: Orphanet 101039, Orphanet 2076, MedGen C1848137, MONDO:0010246, OMIM 300088. Disease mechanism: loss of function.

Allele frequency attached by ClinVar (database versions not stated): gnomAD exomes below 0.00001.
gnomAD v4.1: 1 of 1,211,897 alleles (0.000083%); highest among the groups gnomAD compares: Non-Finnish European, 0.00011%; no homozygotes.

Submission:

Labcorp Genetics (formerly Invitae), Labcorp
Classification: Uncertain significance for Developmental and epileptic encephalopathy, 9. Last evaluated: 2022-03-22. Review status: criteria provided, single submitter. Criteria: Invitae Variant Classification Sherloc (09022015). Collection method: clinical testing. Allele origin: germline.
Comment: In summary, the available evidence is currently insufficient to determine the role of this variant in disease. Therefore, it has been classified as a Variant of Uncertain Significance. Advanced modeling of protein sequence and biophysical properties (such as structural, functional, and spatial information, amino acid conservation, physicochemical variation, residue mobility, and thermodynamic stability) performed at Invitae indicates that this missense variant is not expected to disrupt PCDH19 protein function. This variant has not been reported in the literature in individuals affected with PCDH19-related conditions. This variant is not present in population databases (gnomAD no frequency). This sequence change replaces tyrosine, which is neutral and polar, with cysteine, which is neutral and slightly polar, at codon 576 of the PCDH19 protein (p.Tyr576Cys).

NM_001184880.2(PCDH19):c.1727A>G (p.Tyr576Cys)

Gene: PCDH19 (protocadherin 19; minus strand). Cytogenetic location: Xq22.1.
Variant type: single nucleotide variant.
Coding change: c.1727A>G on transcript NM_001184880.2 (MANE Select); coding-DNA position 1727, A replaced by G.
Protein change: p.Tyr576Cys; replaces tyrosine 576 with cysteine.
Molecular consequence: missense variant.
Genome position (GRCh38, 1-based): chrX:100,406,871, T>C on the plus strand (A>G on the coding strand, the complement: PCDH19 is on the minus strand). VCF-style: chrX-100406871-T-C. GRCh37 (hg19) VCF-style: chrX-99661869-T-C.
Other names: c.1727A>G, p.Tyr576Cys (NM_001105243.2, NM_020766.3); short protein forms Y576C.
Identifiers: ClinVar variation 2115743 (VCV002115743.4), dbSNP rs2520978944, ClinGen allele CA414002105.
Genomic context (GRCh38, chrX:100,406,871, plus strand): 5'-TCGTAGTCTTCTGCCTTGACAACAGTCACCAGGTAGCCTATGCCAGAGTTGCGGGGTATG[T>C]AGACCTCGGCAGTGCCGTTAATCAGAGGTGGGGCTGTGATGACCGGGGTGTTGTCGTTGA-3'
Protein context (NP_001171809.1, residues 566-586): PPLINGTAEV[Tyr576Cys]IPRNSGIGYL